The following is an entry in ClinVar:

NM_000443.4(ABCB4):c.504C>T (p.Asn168=)

Gene: ABCB4 (ATP binding cassette subfamily B member 4; minus strand). Cytogenetic location: 7q21.12.
Variant type: single nucleotide variant.
Coding change: c.504C>T on transcript NM_000443.4 (MANE Select); coding-DNA position 504, C replaced by T.
Protein change: p.Asn168=; no amino-acid change (asparagine 168 retained).
Molecular consequence: synonymous variant.
Genome position (GRCh38, 1-based): chr7:87,452,976, G>A on the plus strand (C>T on the coding strand, the complement: ABCB4 is on the minus strand). VCF-style: chr7-87452976-G-A. GRCh37 (hg19) VCF-style: chr7-87082292-G-A.
Other names: p.Asn168=; c.504C>T, p.Asn168= (NM_018849.3, NM_018850.3).
Identifiers: ClinVar variation 198082 (VCV000198082.28), dbSNP rs1202283, ClinGen allele CA203227.

ClinVar aggregate classification (germline): Benign/Likely benign. Review status: criteria provided, multiple submitters, no conflicts (2 of 4 stars). 14 submissions from 12 submitters: Benign (11); Likely benign (1). 2 of the submissions do not count toward it. Last evaluated 2026-04-14.

Conditions:
Low phospholipid associated cholelithiasis (GBD1). Also called: Gallstone cholecystitis; Gallbladder disease 1. Identifiers: Orphanet 69663, MedGen C2609268, MONDO:0010939, OMIM 600803.
Familial intrahepatic cholestasis. Identifiers: Orphanet 284385, MedGen CN296401, MONDO:0017290.
Cholestasis, intrahepatic, of pregnancy, 3. Identifiers: Orphanet 69665, MedGen C3554241, MONDO:0013995, OMIM 614972.
Progressive familial intrahepatic cholestasis type 3. Also called: Low Gamma-GT Familial Intrahepatic Cholestasis; MDR3 DEFICIENCY. Identifiers: Orphanet 79305, MedGen C1865643, MONDO:0011214, OMIM 602347.

Allele frequency attached by ClinVar (database versions not stated): 1000 Genomes Project 30x 0.34104; 1000 Genomes Project 0.34784; TOPMed 0.38772; ESP Exome Variant Server 0.40412; gnomAD 0.41352 and 0.41614; ExAC 0.47648; gnomAD exomes 0.47984 and 0.53255.
gnomAD v4.1: 838,449 of 1,613,056 alleles (52%); highest among the groups gnomAD compares: Non-Finnish European, 56%; 228,424 homozygotes.

Submissions (14):

Genomenon, Inc
Classification: Benign for Familial intrahepatic cholestasis; Low phospholipid associated cholelithiasis. Last evaluated: 2026-04-14. Review status: criteria provided, single submitter. Criteria: Genomenon Sequence Variant Interpretation Standards - Updated. Collection method: curation. Allele origin: germline. Affected: no.
Comment: ABCB4 c.504C>T is a synonymous variant that retains Asparagine at residue 168. This variant is present at high allele frequency in population databases. We classify ABCB4 p.Asn168= (c.504C>T) as a benign variant.

Labcorp Genetics (formerly Invitae), Labcorp
Classification: Benign. Last evaluated: 2026-02-04. Review status: criteria provided, single submitter. Criteria: Invitae Variant Classification Sherloc (09022015). Collection method: clinical testing. Allele origin: germline.

Mayo Clinic Laboratories, Mayo Clinic
Classification: Benign. Last evaluated: 2025-07-22. Review status: criteria provided, single submitter. Criteria: ACMG Guidelines, 2015. Collection method: clinical testing. Allele origin: germline. Observed: 335 variant alleles.
Comment: BA1

Blueprint Genetics
Classification: Likely benign. Last evaluated: 2024-11-27. Review status: criteria provided, single submitter. Criteria: ACMG Guidelines, 2015. Collection method: clinical testing. Allele origin: germline.

Genome-Nilou Lab
Classification: Benign for Cholestasis, intrahepatic, of pregnancy, 3. Last evaluated: 2021-07-14. Review status: criteria provided, single submitter. Criteria: ACMG Guidelines, 2015. Collection method: clinical testing. Allele origin: germline. Affected: no.

Genome-Nilou Lab
Classification: Benign for Progressive familial intrahepatic cholestasis type 3. Last evaluated: 2021-07-14. Review status: criteria provided, single submitter. Criteria: ACMG Guidelines, 2015. Collection method: clinical testing. Allele origin: germline. Affected: no.

Illumina Laboratory Services, Illumina
Classification: Benign for Progressive familial intrahepatic cholestasis type 3. Last evaluated: 2018-03-06. Review status: criteria provided, single submitter. Criteria: ICSL Variant Classification Criteria 13 December 2019. Collection method: clinical testing. Allele origin: germline.
Comment: This variant was observed in the ICSL laboratory as part of a predisposition screen in an ostensibly healthy population. It had not been previously curated by ICSL or reported in the Human Gene Mutation Database (HGMD: prior to June 1st, 2018), and was therefore a candidate for classification through an automated scoring system. Utilizing variant allele frequency, disease prevalence and penetrance estimates, and inheritance mode, an automated score was calculated to assess if this variant is too frequent to cause the disease. Based on the score and internal cut-off values, a variant classified as benign is not then subjected to further curation. The score for this variant resulted in a classification of benign for this disease.

Illumina Laboratory Services, Illumina
Classification: Benign for Cholestasis, intrahepatic, of pregnancy, 3. Last evaluated: 2018-03-06. Review status: criteria provided, single submitter. Criteria: ICSL Variant Classification Criteria 13 December 2019. Collection method: clinical testing. Allele origin: germline.
Comment: the same text as in the submission from Illumina Laboratory Services, Illumina above.

GeneDx
Classification: Benign. Last evaluated: 2015-12-18. Review status: criteria provided, single submitter. Criteria: GeneDx Variant Classification (06012015). Collection method: clinical testing. Allele origin: germline. Affected: yes.
Comment: This variant is considered likely benign or benign based on one or more of the following criteria: it is a conservative change, it occurs at a poorly conserved position in the protein, it is predicted to be benign by multiple in silico algorithms, and/or has population frequency not consistent with disease.

Eurofins Ntd Llc (ga)
Classification: Benign. Last evaluated: 2014-12-12. Review status: criteria provided, single submitter. Criteria: EGL Classification Definitions 2015. Collection method: clinical testing. Allele origin: germline. Observed: 3 variant alleles, 1 heterozygote, 2 homozygotes.

Breakthrough Genomics
Classification: Benign. Review status: criteria provided, single submitter. Criteria: ACMG Guidelines, 2015. Collection method: not provided. Allele origin: germline. Inheritance: Autosomal recessive inheritance. Affected: yes.

PreventionGenetics, part of Exact Sciences
Classification: Benign. Review status: criteria provided, single submitter. Criteria: ACMG Guidelines, 2015. Collection method: clinical testing. Allele origin: germline.

Diagnostic Laboratory, Department of Genetics, University Medical Center Groningen
Classification: Benign. Review status: no assertion criteria provided. Collection method: clinical testing. Allele origin: germline. Affected: yes. Study: VKGL Data-share Consensus. Not counted in ClinVar's aggregate classification.

Joint Genome Diagnostic Labs from Nijmegen and Maastricht, Radboudumc and MUMC+
Classification: Benign. Review status: no assertion criteria provided. Collection method: clinical testing. Allele origin: germline. Affected: yes. Study: VKGL Data-share Consensus. Not counted in ClinVar's aggregate classification.